The following is an entry in ClinVar:

ClinVar aggregate classification (germline): Uncertain significance. Review status: criteria provided, multiple submitters, no conflicts (2 of 4 stars). 3 submissions from 3 submitters: Uncertain significance (3). Last evaluated 2025-08-23.

Allele frequency attached by ClinVar (database versions not stated): gnomAD below 0.00001 and 0.00003; gnomAD exomes 0.00004 and 0.00010; ExAC 0.00014; 1000 Genomes Project 30x 0.00031; 1000 Genomes Project 0.00040.

Submissions (3):

Ambry Genetics
Classification: Uncertain significance. Last evaluated: 2025-08-23. Review status: criteria provided, single submitter. Criteria: Ambry Variant Classification Scheme 2023. Collection method: clinical testing. Allele origin: germline.

Blueprint Genetics
Classification: Uncertain significance. Last evaluated: 2024-03-11. Review status: criteria provided, single submitter. Criteria: ACMG Guidelines, 2015. Collection method: clinical testing. Allele origin: germline.

Labcorp Genetics (formerly Invitae), Labcorp
Classification: Uncertain significance. Last evaluated: 2022-12-02. Review status: criteria provided, single submitter. Criteria: Invitae Variant Classification Sherloc (09022015). Collection method: clinical testing. Allele origin: germline.
Comment: This sequence change replaces methionine, which is neutral and non-polar, with threonine, which is neutral and polar, at codon 119 of the IL2RB protein (p.Met119Thr). In summary, the available evidence is currently insufficient to determine the role of this variant in disease. Therefore, it has been classified as a Variant of Uncertain Significance. Algorithms developed to predict the effect of missense changes on protein structure and function (SIFT, PolyPhen-2, Align-GVGD) all suggest that this variant is likely to be tolerated. ClinVar contains an entry for this variant (Variation ID: 1008417). This variant has not been reported in the literature in individuals affected with IL2RB-related conditions. This variant is present in population databases (rs550638824, gnomAD 0.08%).

NM_000878.5(IL2RB):c.356T>C (p.Met119Thr)

Gene: IL2RB (interleukin 2 receptor subunit beta; minus strand). Cytogenetic location: 22q12.3.
Variant type: single nucleotide variant.
Coding change: c.356T>C on transcript NM_000878.5 (MANE Select); coding-DNA position 356, T replaced by C.
Protein change: p.Met119Thr; replaces methionine 119 with threonine.
Molecular consequence: missense variant.
Genome position (GRCh38, 1-based): chr22:37,139,149, A>G on the plus strand (T>C on the coding strand, the complement: IL2RB is on the minus strand). VCF-style: chr22-37139149-A-G. GRCh37 (hg19) VCF-style: chr22-37535189-A-G.
Other names: c.356T>C (NM_000878.2); c.356T>C, p.Met119Thr (NM_001346222.1, NM_001346223.2); short protein forms M119T.
Identifiers: ClinVar variation 1008417 (VCV001008417.10), dbSNP rs550638824, ClinGen allele CA10216659.